The following is an entry in ClinVar:

NM_001904.4(CTNNB1):c.235G>A (p.Val79Ile)

Genes: CTNNB1 (catenin beta 1; plus strand), LOC126806658 (BRD4-independent group 4 enhancer GRCh37_chr3:41265899-41267098; plus strand). Cytogenetic location: 3p22.1.
Variant type: single nucleotide variant.
Coding change: c.235G>A on transcript NM_001904.4 (MANE Select); coding-DNA position 235, G replaced by A.
Protein change: p.Val79Ile; replaces valine 79 with isoleucine.
Molecular consequence: missense variant.
Genome position (GRCh38, 1-based): chr3:41,224,747, G>A. VCF-style: chr3-41224747-G-A. GRCh37 (hg19) VCF-style: chr3-41266238-G-A.
Other names: c.235G>A, p.Val79Ile (NM_001098209.2, NM_001098210.2); c.214G>A, p.Val72Ile (NM_001330729.2); short protein forms V72I, V79I.
Identifiers: ClinVar variation 3604400 (VCV003604400.2).

ClinVar aggregate classification (germline): Uncertain significance (1 of 4 stars; one submission).

gnomAD v4.1: 2 of 1,613,600 alleles (0.00012%); highest among the groups gnomAD compares: Non-Finnish European, 0.00017%; no homozygotes.

Submission:

Labcorp Genetics (formerly Invitae), Labcorp
Classification: Uncertain significance. Last evaluated: 2024-06-13. Review status: criteria provided, single submitter. Criteria: Invitae Variant Classification Sherloc (09022015). Collection method: clinical testing. Allele origin: germline.
Comment: This sequence change replaces valine, which is neutral and non-polar, with isoleucine, which is neutral and non-polar, at codon 79 of the CTNNB1 protein (p.Val79Ile). This variant is not present in population databases (gnomAD no frequency). This variant has not been reported in the literature in individuals affected with CTNNB1-related conditions. An algorithm developed to predict the effect of missense changes on protein structure and function (PolyPhen-2) suggests that this variant is likely to be tolerated. In summary, the available evidence is currently insufficient to determine the role of this variant in disease. Therefore, it has been classified as a Variant of Uncertain Significance.